The following is an entry in ClinVar:

NM_000235.4(LIPA):c.1070T>C (p.Leu357Pro)

Gene: LIPA (lipase A, lysosomal acid type; minus strand). Cytogenetic location: 10q23.31.
Variant type: single nucleotide variant.
Coding change: c.1070T>C on transcript NM_000235.4 (MANE Select); coding-DNA position 1070, T replaced by C.
Protein change: p.Leu357Pro; replaces leucine 357 with proline.
Molecular consequence: missense variant.
Genome position (GRCh38, 1-based): chr10:89,214,958, A>G on the plus strand (T>C on the coding strand, the complement: LIPA is on the minus strand). VCF-style: chr10-89214958-A-G. GRCh37 (hg19) VCF-style: chr10-90974715-A-G.
Other names: c.1070T>C, p.Leu357Pro (NM_001127605.3); c.722T>C, p.Leu241Pro (NM_001288979.2); c.1070T>C (NM_000235.3); short protein forms L357P, L241P.
Identifiers: ClinVar variation 552474 (VCV000552474.20), dbSNP rs772684869, ClinGen allele CA5593513.
Genomic context (GRCh38, chr10:89,214,958, plus strand): 5'-AAGTCAAGATGCTCCCATTCCGGAATGCTCTCATGGAACACCAAGTTGGTGATCTGAGTC[A>G]GTAAGATATTGACGTCGTAGACATCTGCAAGCCAGTCGTGACCCCCGCTCCAGACTGCAG-3'
Protein context (NP_000226.2, residues 347-367): LADVYDVNIL[Leu357Pro]TQITNLVFHE

ClinVar aggregate classification (germline): Likely pathogenic. Review status: criteria provided, multiple submitters, no conflicts (2 of 4 stars). 6 submissions from 6 submitters: Likely pathogenic (4). 2 of the submissions do not count toward it. Last evaluated 2026-04-23.

Conditions:
Wolman disease (WOLD). Also called: Infantile-Onset LAL-D (Wolman Disease); Wolman disease with hypolipoproteinemia and acanthocytosis; Acid cholesteryl ester hydrolase deficiency, Wolman type; Acid lipase disease; LYSOSOMAL ACID LIPASE DEFICIENCY, ACUTE INFANTILE; LYSOSOMAL ACID LIPASE DEFICIENCY, COMPLETE. Identifiers: Orphanet 75233, MedGen C0043208, MONDO:0019148, OMIM 620151.
Lysosomal acid lipase deficiency. Also called: Acid cholesteryl ester hydrolase deficiency, type 2. Identifiers: Orphanet 275761, MedGen C5574740, MONDO:0800449, MONDO:0010204.
LIPA-related disorder. Also called: LIPA-related disorders; LIPA-related condition.
Cholesteryl ester storage disease (CESD). Also called: Childhood/Adult-Onset LAL-D (Cholesterol Ester Storage Disease [CESD]). Identifiers: Orphanet 75234, MedGen C0008384, MONDO:0019149, OMIM 278000.

Allele frequency attached by ClinVar (database versions not stated): gnomAD 0.00001; TOPMed 0.00001; gnomAD exomes 0.00004; ExAC 0.00007.
gnomAD v4.1: 19 of 1,614,048 alleles (0.0012%); highest among the groups gnomAD compares: Non-Finnish European, 0.0014%; no homozygotes.

Submissions (6):

Women's Health and Genetics/Laboratory Corporation of America, LabCorp
Classification: Likely pathogenic for Cholesteryl ester storage disease. Last evaluated: 2026-04-23. Review status: criteria provided, single submitter. Criteria: LabCorp Variant Classification Summary - May 2015. Collection method: clinical testing. Allele origin: germline.
Comment: Variant summary: LIPA c.1070T>C (p.Leu357Pro), also reported as L336P, results in a non-conservative amino acid change in the encoded protein sequence. Algorithms developed to predict the effect of missense changes on protein structure and function are either unavailable or do not agree on the potential impact of this missense change. The variant allele was found at a frequency of 4e-05 in 251462 control chromosomes. This frequency is not significantly higher than estimated for disease-causing variants in LIPA, allowing no conclusion about variant significance. c.1070T>C has been observed in trans with a null allele in 1 individual(s) affected with autosomal recessive Cholesteryl ester storage disease (example, Seedorf_1995). Multiple publications report experimental evidence evaluating an impact on protein function in vitro. The most pronounced variant effect results in <10% of normal activity (example, Sheriff_1995, Vinje_2019, Del Angel_2019). The following publications have been ascertained in the context of this evaluation (PMID: 7499245, 7773732, 31131398, 29196158, 22227072, 31180157). ClinVar contains an entry for this variant (Variation ID: 552474). Based on the evidence outlined above, the variant was classified as likely pathogenic.

PreventionGenetics, part of Exact Sciences
Classification: Likely pathogenic for LIPA-related condition. Last evaluated: 2025-10-27. Review status: criteria provided, single submitter. Criteria: ACMG Guidelines, 2015. Collection method: clinical testing. Allele origin: germline.
Comment: The LIPA c.1070T>C variant is predicted to result in the amino acid substitution p.Leu357Pro. This variant, also referred to as p.Leu336Pro using legacy nomenclature, has been reported in the compound heterozygous state with a pathogenic LIPA variant in individuals with clinical and biochemical characteristics consistent with cholesterol ester storage disease (Seedorf et al. 1995. PubMed ID: 7773732; Table S2, Del Angel et al. 2019. PubMed ID: 31180157). In vitro studies support pathogenicity by demonstrating expression of this variant results in decreased enzyme activity compared to wildtype (Sheriff et al. 1995. PubMed ID: 7499245; Vinje et al. 2017. PubMed ID: 29196158; Saito et al. 2011. PubMed ID: 22138108). This variant is reported in 0.0077% of alleles in individuals of European (Non-Finnish) descent in gnomAD. This variant is interpreted as likely pathogenic.

Labcorp Genetics (formerly Invitae), Labcorp
Classification: Likely pathogenic for Wolman disease. Last evaluated: 2024-01-17. Review status: criteria provided, single submitter. Criteria: Invitae Variant Classification Sherloc (09022015). Collection method: clinical testing. Allele origin: germline.
Comment: This sequence change replaces leucine, which is neutral and non-polar, with proline, which is neutral and non-polar, at codon 357 of the LIPA protein (p.Leu357Pro). This variant is present in population databases (rs772684869, gnomAD 0.008%). This missense change has been observed in individual(s) with cholesteryl ester storage disease (PMID: 7773732). In at least one individual the data is consistent with being in trans (on the opposite chromosome) from a pathogenic variant. This variant is also known as Leu336Pro. ClinVar contains an entry for this variant (Variation ID: 552474). Advanced modeling of protein sequence and biophysical properties (such as structural, functional, and spatial information, amino acid conservation, physicochemical variation, residue mobility, and thermodynamic stability) performed at Invitae indicates that this missense variant is expected to disrupt LIPA protein function with a positive predictive value of 80%. Experimental studies have shown that this missense change affects LIPA function (PMID: 7499245, 31131398, 31180157). In summary, the currently available evidence indicates that the variant is pathogenic, but additional data are needed to prove that conclusively. Therefore, this variant has been classified as Likely Pathogenic.

Alexion, Astrazeneca Rare Disease, Astrazeneca
Classification: Likely pathogenic for Lysosomal acid lipase deficiency. Last evaluated: 2019-06-01. Review status: criteria provided, single submitter. Criteria: ACMG Guidelines, 2015. Collection method: research. Allele origin: germline. Affected: yes.
Comment: ACMG PS3 criterion ascertained by in-vitro functional study, PMID:31180157

Natera, Inc.
Classification: Likely pathogenic for Lysosomal acid lipase deficiency. Last evaluated: 2020-07-09. Review status: no assertion criteria provided. Collection method: clinical testing. Allele origin: germline. Not counted in ClinVar's aggregate classification.

Counsyl
Classification: Uncertain significance for Cholesteryl ester storage disease. Last evaluated: 2017-06-12. Review status: no assertion criteria provided. Collection method: clinical testing. Allele origin: unknown. Not counted in ClinVar's aggregate classification.

Literature cited by the submitters: PubMed 29196158 (cited by Women's Health and Genetics/Laboratory Corporation of America, LabCorp); PubMed 31131398 (cited by Women's Health and Genetics/Laboratory Corporation of America, LabCorp and Labcorp Genetics (formerly Invitae), Labcorp); PubMed 22227072 (cited by Women's Health and Genetics/Laboratory Corporation of America, LabCorp); PubMed 31180157 (cited by 3 submitters); PubMed 7773732 (cited by 3 submitters); PubMed 7499245 (cited by 3 submitters); PubMed 24792990 (cited by Alexion, Astrazeneca Rare Disease, Astrazeneca).